The following is an entry in ClinVar:

NM_001042492.3(NF1):c.5432C>T (p.Thr1811Ile)

Gene: NF1 (neurofibromin 1; plus strand). Cytogenetic location: 17q11.2.
Variant type: single nucleotide variant.
Coding change: c.5432C>T on transcript NM_001042492.3 (MANE Select); coding-DNA position 5432, C replaced by T.
Protein change: p.Thr1811Ile; replaces threonine 1811 with isoleucine.
Molecular consequence: missense variant.
Genome position (GRCh38, 1-based): chr17:31,327,662, C>T. VCF-style: chr17-31327662-C-T. GRCh37 (hg19) VCF-style: chr17-29654680-C-T.
Other names: c.5369C>T, p.Thr1790Ile (NM_000267.4); short protein forms T1790I, T1811I.
Identifiers: ClinVar variation 1467428 (VCV001467428.9), dbSNP rs2151541340, ClinGen allele CA399009424.
Genomic context (GRCh38, chr17:31,327,662, plus strand): 5'-TCTGCCTAGTAGATGAGAACCAGTTCACCTTAACCATTGCAAACCAGGGCACGCCGCTCA[C>T]CTTCATGCACCAGGAGTGTGAAGCCATTGTCCAGTCTATCATTCATATCCGGACCCGCTG-3'
Protein context (NP_001035957.1, residues 1801-1821): LTIANQGTPL[Thr1811Ile]FMHQECEAIV

ClinVar aggregate classification (germline): Uncertain significance. Review status: criteria provided, multiple submitters, no conflicts (2 of 4 stars). 2 submissions from 2 submitters: Uncertain significance (2). Last evaluated 2024-08-08.

Conditions:
Cardiovascular phenotype. Identifiers: MedGen CN230736.
Hereditary cancer-predisposing syndrome. Also called: Neoplastic Syndromes, Hereditary; Hereditary Cancer Syndrome; Tumor predisposition; Hereditary neoplastic syndrome. Identifiers: Orphanet 140162, MedGen C0027672, MeSH D009386, MONDO:0015356.
Neurofibromatosis, type 1 (NF1). Also called: NEUROFIBROMATOSIS, TYPE I, SOMATIC; VON RECKLINGHAUSEN DISEASE; Peripheral type neurofibromatosis; Neurofibromatosis, type I. Identifiers: Orphanet 636, MedGen C0027831, MONDO:0018975, OMIM 162200. Disease mechanism: loss of function.

gnomAD v4.1: 1 of 1,614,152 alleles (0.000062%); highest among the groups gnomAD compares: Non-Finnish European, 0.000085%; no homozygotes.

Submissions (2):

Ambry Genetics
Classification: Uncertain significance for Cardiovascular phenotype; Hereditary cancer-predisposing syndrome. Last evaluated: 2024-08-08. Review status: criteria provided, single submitter. Criteria: Ambry Variant Classification Scheme 2023. Collection method: clinical testing. Allele origin: germline.
Comment: The p.T1790I variant (also known as c.5369C>T), located in coding exon 37 of the NF1 gene, results from a C to T substitution at nucleotide position 5369. The threonine at codon 1790 is replaced by isoleucine, an amino acid with similar properties. This amino acid position is conserved. In addition, this alteration is predicted to be deleterious by in silico analysis. Based on the available evidence, the clinical significance of this variant remains unclear.

Labcorp Genetics (formerly Invitae), Labcorp
Classification: Uncertain significance for Neurofibromatosis, type 1. Last evaluated: 2024-05-24. Review status: criteria provided, single submitter. Criteria: Invitae Variant Classification Sherloc (09022015). Collection method: clinical testing. Allele origin: germline.
Comment: This sequence change replaces threonine, which is neutral and polar, with isoleucine, which is neutral and non-polar, at codon 1790 of the NF1 protein (p.Thr1790Ile). This variant is not present in population databases (gnomAD no frequency). This variant has not been reported in the literature in individuals affected with NF1-related conditions. ClinVar contains an entry for this variant (Variation ID: 1467428). Advanced modeling of protein sequence and biophysical properties (such as structural, functional, and spatial information, amino acid conservation, physicochemical variation, residue mobility, and thermodynamic stability) performed at Invitae indicates that this missense variant is expected to disrupt NF1 protein function with a positive predictive value of 95%. In summary, the available evidence is currently insufficient to determine the role of this variant in disease. Therefore, it has been classified as a Variant of Uncertain Significance.